The following is an entry in ClinVar:

ClinVar aggregate classification (germline): Uncertain significance (1 of 4 stars; one submission).

Allele frequency attached by ClinVar (database versions not stated): gnomAD exomes below 0.00001.
gnomAD v4.1: 1 of 1,613,056 alleles (0.000062%); highest among the groups gnomAD compares: Non-Finnish European, 0.000085%; no homozygotes.

Submission:

Labcorp Genetics (formerly Invitae), Labcorp
Classification: Uncertain significance. Last evaluated: 2022-05-27. Review status: criteria provided, single submitter. Criteria: Invitae Variant Classification Sherloc (09022015). Collection method: clinical testing. Allele origin: germline.
Comment: This variant is not present in population databases (gnomAD no frequency). This sequence change replaces valine, which is neutral and non-polar, with alanine, which is neutral and non-polar, at codon 103 of the DUOX2 protein (p.Val103Ala). This variant has not been reported in the literature in individuals affected with DUOX2-related conditions. In summary, the available evidence is currently insufficient to determine the role of this variant in disease. Therefore, it has been classified as a Variant of Uncertain Significance. Algorithms developed to predict the effect of sequence changes on RNA splicing suggest that this variant may disrupt the consensus splice site. Algorithms developed to predict the effect of missense changes on protein structure and function are either unavailable or do not agree on the potential impact of this missense change (SIFT: "Tolerated"; PolyPhen-2: "Probably Damaging"; Align-GVGD: "Class C0").

NM_001363711.2(DUOX2):c.308T>C (p.Val103Ala)

Gene: DUOX2 (dual oxidase 2; minus strand). Cytogenetic location: 15q21.1.
Variant type: single nucleotide variant.
Coding change: c.308T>C on transcript NM_001363711.2 (MANE Select); coding-DNA position 308, T replaced by C.
Protein change: p.Val103Ala; replaces valine 103 with alanine.
Molecular consequence: missense variant.
Genome position (GRCh38, 1-based): chr15:45,112,571, A>G on the plus strand (T>C on the coding strand, the complement: DUOX2 is on the minus strand). VCF-style: chr15-45112571-A-G. GRCh37 (hg19) VCF-style: chr15-45404769-A-G.
Other names: c.308T>C, p.Val103Ala (NM_014080.5); short protein forms V103A.
Identifiers: ClinVar variation 1962666 (VCV001962666.5), dbSNP rs2504788307, ClinGen allele CA392279587.